The following is an entry in ClinVar:

ClinVar aggregate classification (germline): Uncertain significance. Review status: criteria provided, multiple submitters, no conflicts (2 of 4 stars). 2 submissions from 2 submitters: Uncertain significance (2). Last evaluated 2025-09-09.

Allele frequency attached by ClinVar (database versions not stated): ExAC 0.00001; gnomAD 0.00001.
gnomAD v4.1: 4 of 1,614,112 alleles (0.00025%); highest among the groups gnomAD compares: East Asian, 0.0022%; no homozygotes.

Submissions (2):

Ambry Genetics
Classification: Uncertain significance. Last evaluated: 2025-09-09. Review status: criteria provided, single submitter. Criteria: Ambry Variant Classification Scheme 2023. Collection method: clinical testing. Allele origin: germline.

Labcorp Genetics (formerly Invitae), Labcorp
Classification: Uncertain significance. Last evaluated: 2022-10-13. Review status: criteria provided, single submitter. Criteria: Invitae Variant Classification Sherloc (09022015). Collection method: clinical testing. Allele origin: germline.
Comment: In summary, the available evidence is currently insufficient to determine the role of this variant in disease. Therefore, it has been classified as a Variant of Uncertain Significance. Advanced modeling of protein sequence and biophysical properties (such as structural, functional, and spatial information, amino acid conservation, physicochemical variation, residue mobility, and thermodynamic stability) performed at Invitae indicates that this missense variant is not expected to disrupt SERPINB6 protein function. This variant has not been reported in the literature in individuals affected with SERPINB6-related conditions. This variant is present in population databases (rs769353821, gnomAD 0.006%). This sequence change replaces leucine, which is neutral and non-polar, with valine, which is neutral and non-polar, at codon 76 of the SERPINB6 protein (p.Leu76Val).

NM_004568.6(SERPINB6):c.226C>G (p.Leu76Val)

Gene: SERPINB6 (serpin family B member 6; minus strand). Cytogenetic location: 6p25.2.
Variant type: single nucleotide variant.
Coding change: c.226C>G on transcript NM_004568.6 (MANE Select); coding-DNA position 226, C replaced by G.
Protein change: p.Leu76Val; replaces leucine 76 with valine.
Molecular consequence: missense variant. On other transcripts: non-coding transcript variant (1).
Genome position (GRCh38, 1-based): chr6:2,955,610, G>C on the plus strand (C>G on the coding strand, the complement: SERPINB6 is on the minus strand). VCF-style: chr6-2955610-G-C. GRCh37 (hg19) VCF-style: chr6-2955844-G-C.
Other names: c.238C>G, p.Leu80Val (NM_001195291.3, NM_001374515.1); c.268C>G, p.Leu90Val (NM_001271822.2); c.283C>G, p.Leu95Val (NM_001271823.2); c.226C>G, p.Leu76Val (NM_001271824.2, NM_001271825.2, NM_001297699.2 and 2 more transcripts); c.94C>G, p.Leu32Val (NM_001374517.1); c.226C>G (NM_004568.5); short protein forms L80V, L90V, L76V, L32V, L95V.
Identifiers: ClinVar variation 2180672 (VCV002180672.5), dbSNP rs769353821, ClinGen allele CA3617615.